The following is an entry in ClinVar:

ClinVar aggregate classification (germline): Uncertain significance (1 of 4 stars; one submission).

Conditions:
Severe combined immunodeficiency due to CORO1A deficiency. Also called: Immunodeficiency 8; IMMUNODEFICIENCY 8 WITH LYMPHOPROLIFERATION. Identifiers: Orphanet 228003, MedGen C3809383, MONDO:0014168, OMIM 615401.

Submission:

Labcorp Genetics (formerly Invitae), Labcorp
Classification: Uncertain significance for Severe combined immunodeficiency due to CORO1A deficiency. Last evaluated: 2020-11-14. Review status: criteria provided, single submitter. Criteria: Invitae Variant Classification Sherloc (09022015). Collection method: clinical testing. Allele origin: germline.
Comment: This variant has not been reported in the literature in individuals with CORO1A-related conditions. Algorithms developed to predict the effect of missense changes on protein structure and function are either unavailable or do not agree on the potential impact of this missense change (SIFT: "Deleterious"; PolyPhen-2: "Benign"; Align-GVGD: "Class C15"). This variant is not present in population databases (ExAC no frequency). In summary, the available evidence is currently insufficient to determine the role of this variant in disease. Therefore, it has been classified as a Variant of Uncertain Significance. This sequence change replaces arginine with cysteine at codon 225 of the CORO1A protein (p.Arg225Cys). The arginine residue is highly conserved and there is a large physicochemical difference between arginine and cysteine.

NM_007074.4(CORO1A):c.673C>T (p.Arg225Cys)

Genes: CORO1A (coronin 1A; plus strand), LOC121587541 (Sharpr-MPRA regulatory region 7413; plus strand). Cytogenetic location: 16p11.2.
Variant type: single nucleotide variant.
Coding change: c.673C>T on transcript NM_007074.4 (MANE Select); coding-DNA position 673, C replaced by T.
Protein change: p.Arg225Cys; replaces arginine 225 with cysteine.
Molecular consequence: missense variant.
Genome position (GRCh38, 1-based): chr16:30,187,418, C>T. VCF-style: chr16-30187418-C-T. GRCh37 (hg19) VCF-style: chr16-30198739-C-T.
Other names: c.673C>T, p.Arg225Cys (NM_001193333.3); short protein forms R225C.
Identifiers: ClinVar variation 1463964 (VCV001463964.8), dbSNP rs2151062848, ClinGen allele CA395495178.